The following is an entry in ClinVar:

NM_014244.5(ADAMTS2):c.417G>A (p.Trp139Ter)

Gene: ADAMTS2 (ADAM metallopeptidase with thrombospondin type 1 motif 2; minus strand). Cytogenetic location: 5q35.3.
Variant type: single nucleotide variant.
Coding change: c.417G>A on transcript NM_014244.5 (MANE Select); coding-DNA position 417, G replaced by A.
Protein change: p.Trp139Ter; replaces tryptophan 139 with a stop codon.
Molecular consequence: nonsense.
Genome position (GRCh38, 1-based): chr5:179,343,884, C>T on the plus strand (G>A on the coding strand, the complement: ADAMTS2 is on the minus strand). VCF-style: chr5-179343884-C-T. GRCh37 (hg19) VCF-style: chr5-178770885-C-T.
Other names: c.417G>A, p.Trp139Ter (NM_021599.4); short protein forms W139*.
Identifiers: ClinVar variation 2954874 (VCV002954874.3), dbSNP rs748340868, ClinGen allele CA362622632.

ClinVar aggregate classification (germline): Pathogenic (1 of 4 stars; one submission).

Conditions:
Ehlers-Danlos syndrome, dermatosparaxis type. Also called: Ehlers-Danlos syndrome, type VII, autosomal recessive; Dermatosparaxis; EDS VIIC. Identifiers: Orphanet 1901, MedGen C2700425, MONDO:0009161, OMIM 225410.

Submission:

Labcorp Genetics (formerly Invitae), Labcorp
Classification: Pathogenic for Ehlers-Danlos syndrome, dermatosparaxis type. Last evaluated: 2023-03-16. Review status: criteria provided, single submitter. Criteria: Invitae Variant Classification Sherloc (09022015). Collection method: clinical testing. Allele origin: germline.
Comment: This variant is not present in population databases (gnomAD no frequency). For these reasons, this variant has been classified as Pathogenic. This variant has not been reported in the literature in individuals affected with ADAMTS2-related conditions. This sequence change creates a premature translational stop signal (p.Trp139*) in the ADAMTS2 gene. It is expected to result in an absent or disrupted protein product. Loss-of-function variants in ADAMTS2 are known to be pathogenic (PMID: 10417273).

Literature cited by the submitters: PubMed 10417273.